The following is an entry in ClinVar:

NM_007294.4(BRCA1):c.2214del (p.Val740fs)

Gene: BRCA1 (BRCA1 DNA repair associated; minus strand). Cytogenetic location: 17q21.31.
Variant type: Deletion.
Coding change: c.2214del on transcript NM_007294.4 (MANE Select); coding-DNA position 2214, one base deleted (T; older notation c.2214delT).
Protein change: p.Val740fs; shifts the reading frame from valine 740.
Molecular consequence: frameshift variant. On other transcripts: intron variant (137).
Genome position (GRCh38, 1-based): chr17:43,093,317, A deleted on the plus strand (T on the coding strand, the reverse complement: BRCA1 is on the minus strand); the first of 2 consecutive A bases (chr17:43,093,317-43,093,318); deleting either gives the same sequence. VCF-style (leftmost placement, unchanged base first): chr17-43093316-TA-T. GRCh37 (hg19) VCF-style: chr17-41245333-TA-T.
Other names: 2333delT; c.2214delT (NM_007294.3); c.2091del, p.Val699fs (NM_001407678.1, NM_001407679.1, NM_001407680.1 and 19 more transcripts); c.2214del, p.Val740fs (NM_001407684.1, NM_001407854.1, NM_001407858.1 and 30 more transcripts); c.2088del, p.Val698fs (NM_001407685.1, NM_001407686.1, NM_001407687.1 and 11 more transcripts); c.2073del, p.Val693fs (NM_001407692.1, NM_001407694.1, NM_001407695.1 and 29 more transcripts); c.2070del, p.Val692fs (NM_001407740.1, NM_001407741.1, NM_001407742.1 and 20 more transcripts); c.2001del, p.Val669fs (NM_001407853.1, NM_001407894.1, NM_001407895.1 and 9 more transcripts); and 44 more; short protein forms V693fs, V740fs, V572fs, V628fs, V672fs, V673fs, V699fs, V714fs.
Identifiers: ClinVar variation 125546 (VCV000125546.19), dbSNP rs80357574, ClinGen allele CA001482.

ClinVar aggregate classification (germline): Pathogenic. Review status: reviewed by expert panel (3 of 4 stars). 7 submissions from 7 submitters: Pathogenic (1). 6 of the submissions do not count toward it. Last evaluated 2016-09-08.

Conditions:
Hereditary cancer-predisposing syndrome. Also called: Tumor predisposition; Hereditary neoplastic syndrome; Hereditary Cancer Syndrome; Neoplastic Syndromes, Hereditary. Identifiers: Orphanet 140162, MedGen C0027672, MeSH D009386, MONDO:0015356.
Hereditary breast ovarian cancer syndrome. Also called: Hereditary breast and/or ovarian cancer syndrome; Breast and ovarian cancer; Hereditary breast and ovarian cancer syndrome; Hereditary breast and ovarian cancer; Hereditary breast and ovarian cancer syndrome (HBOC); BRCA1- and BRCA2-Associated Hereditary Breast and Ovarian Cancer. Identifiers: Orphanet 145, MedGen C0677776, MeSH D061325, MONDO:0003582. Disease mechanism: loss of function.
Breast-ovarian cancer, familial, susceptibility to, 1 (BROVCA1). Also called: BRCA1 Hereditary Breast and Ovarian Cancer; OVARIAN CANCER, SUSCEPTIBILITY TO. Identifiers: Orphanet 145, MedGen C2676676, MONDO:0011450, OMIM 604370. Disease mechanism: loss of function.

Submissions (7):

Evidence-based Network for the Interpretation of Germline Mutant Alleles (ENIGMA)
Classification: Pathogenic for Breast-ovarian cancer, familial, susceptibility to, 1. Last evaluated: 2016-09-08. Review status: reviewed by expert panel. Criteria: ENIGMA BRCA1/2 Classification Criteria (2015). Collection method: curation. Allele origin: germline.
Comment: Variant allele predicted to encode a truncated non-functional protein.

Labcorp Genetics (formerly Invitae), Labcorp
Classification: Pathogenic for Hereditary breast ovarian cancer syndrome. Last evaluated: 2025-11-11. Review status: criteria provided, single submitter. Criteria: Invitae Variant Classification Sherloc (09022015). Collection method: clinical testing. Allele origin: germline. Not counted in ClinVar's aggregate classification.
Comment: This sequence change creates a premature translational stop signal (p.Val740Cysfs*13) in the BRCA1 gene. It is expected to result in an absent or disrupted protein product. Loss-of-function variants in BRCA1 are known to be pathogenic (PMID: 20104584). This variant is not present in population databases (gnomAD no frequency). This premature translational stop signal has been observed in individual(s) with clinical features of BRCA1-related conditions (PMID: 10923033, 21520333). ClinVar contains an entry for this variant (Variation ID: 125546). For these reasons, this variant has been classified as Pathogenic.

GeneDx
Classification: Pathogenic. Last evaluated: 2025-11-07. Review status: criteria provided, single submitter. Criteria: GeneDx Variant Classification Process June 2021. Collection method: clinical testing. Allele origin: germline. Affected: yes. Not counted in ClinVar's aggregate classification.
Comment: Frameshift variant predicted to result in protein truncation or nonsense mediated decay in a gene for which loss of function is a known mechanism of disease; Not observed at significant frequency in large population cohorts (gnomAD); Truncating variants in this gene are considered pathogenic by a well-established clinical consortium and/or database; Also known as 2333del; This variant is associated with the following publications: (PMID: 16267036, Chapla2023[preprint])

Quest Diagnostics Nichols Institute San Juan Capistrano
Classification: Likely pathogenic. Last evaluated: 2021-01-29. Review status: criteria provided, single submitter. Criteria: Quest Diagnostics criteria. Collection method: clinical testing. Allele origin: unknown. Not counted in ClinVar's aggregate classification.
Comment: This frameshift variant is predicted to cause the premature termination of BRCA1 protein synthesis. To the best of our knowledge, the variant has not been reported in individuals with BRCA1-related conditions in the published literature. This variant has not been reported in large, multi-ethnic general populations. Based on the available information, we predict that the variant is likely pathogenic.

Ambry Genetics
Classification: Pathogenic for Hereditary cancer-predisposing syndrome. Last evaluated: 2020-02-13. Review status: criteria provided, single submitter. Criteria: Ambry Variant Classification Scheme 2023. Collection method: clinical testing. Allele origin: germline. Not counted in ClinVar's aggregate classification.
Comment: The c.2214delT pathogenic mutation, located in coding exon 9 of the BRCA1 gene, results from a deletion of one nucleotide at nucleotide position 2214, causing a translational frameshift with a predicted alternate stop codon (p.V740Cfs*13). This alteration, designated as 2333delT, was reported in a cohort of 55630 patients who underwent BRCA1 gene sequencing at a commercial laboratory and classified as a deleterious mutation (Judkins T et al. Cancer Res., 2005 Nov;65:10096-103). In addition to the clinical data presented in the literature, this alteration is expected to result in loss of function by premature protein truncation or nonsense-mediated mRNA decay. As such, this alteration is interpreted as a disease-causing mutation.

Sharing Clinical Reports Project (SCRP)
Classification: Pathogenic for Breast-ovarian cancer, familial 1. Last evaluated: 2010-12-21. Review status: no assertion criteria provided. Collection method: clinical testing. Allele origin: germline. Not counted in ClinVar's aggregate classification.

Breast Cancer Information Core (BIC) (BRCA1)
Classification: Pathogenic for Breast-ovarian cancer, familial 1. Last evaluated: 2004-02-20. Review status: no assertion criteria provided. Collection method: clinical testing. Allele origin: germline. Affected: yes. Observed: 1 variant allele. Not counted in ClinVar's aggregate classification.

Literature cited by the submitters: PubMed 20104584 (cited by Labcorp Genetics (formerly Invitae), Labcorp); PubMed 10923033 (cited by Labcorp Genetics (formerly Invitae), Labcorp); PubMed 21520333 (cited by Labcorp Genetics (formerly Invitae), Labcorp); PubMed 31112363 (cited by Quest Diagnostics Nichols Institute San Juan Capistrano); PubMed 16267036 (cited by Ambry Genetics).